The following is an entry in ClinVar:

ClinVar aggregate classification (germline): Uncertain significance. Review status: criteria provided, multiple submitters, no conflicts (2 of 4 stars). 2 submissions from 2 submitters: Uncertain significance (2). Last evaluated 2025-11-24.

Conditions:
Brugada syndrome. Also called: Sudden Unexplained Death Syndrome; Sudden Unexplained Nocturnal Death Syndrome (SUNDS); Sudden unexpected nocturnal death syndrome; Sudden unexplained nocturnal death syndrome. Identifiers: Orphanet 130, MedGen C1142166, MONDO:0015263.
Cardiovascular phenotype. Identifiers: MedGen CN230736.

Allele frequency attached by ClinVar (database versions not stated): gnomAD 0.00001; gnomAD exomes 0.00001 and 0.00002; ExAC 0.00002; TOPMed 0.00003.
gnomAD v4.1: 5 of 1,614,070 alleles (0.00031%); highest among the groups gnomAD compares: East Asian, 0.011%; no homozygotes.

Submissions (2):

Labcorp Genetics (formerly Invitae), Labcorp
Classification: Uncertain significance for Brugada syndrome. Last evaluated: 2025-11-24. Review status: criteria provided, single submitter. Criteria: Invitae Variant Classification Sherloc (09022015). Collection method: clinical testing. Allele origin: germline.
Comment: This sequence change replaces isoleucine, which is neutral and non-polar, with valine, which is neutral and non-polar, at codon 820 of the SCN10A protein (p.Ile820Val). This variant is present in population databases (rs770101312, gnomAD 0.03%). This variant has not been reported in the literature in individuals affected with SCN10A-related conditions. ClinVar contains an entry for this variant (Variation ID: 846687). Invitae Evidence Modeling of protein sequence and biophysical properties (such as structural, functional, and spatial information, amino acid conservation, physicochemical variation, residue mobility, and thermodynamic stability) indicates that this missense variant is not expected to disrupt SCN10A protein function with a negative predictive value of 80%. In summary, the available evidence is currently insufficient to determine the role of this variant in disease. Therefore, it has been classified as a Variant of Uncertain Significance.

Ambry Genetics
Classification: Uncertain significance for Cardiovascular phenotype. Last evaluated: 2019-04-01. Review status: criteria provided, single submitter. Criteria: Ambry Variant Classification Scheme 2023. Collection method: clinical testing. Allele origin: germline.
Comment: The p.I820V variant (also known as c.2458A>G), located in coding exon 15 of the SCN10A gene, results from an A to G substitution at nucleotide position 2458. The isoleucine at codon 820 is replaced by valine, an amino acid with highly similar properties. This amino acid position is not well conserved in available vertebrate species, and valine is the reference amino acid in other vertebrate species. In addition, the in silico prediction for this alteration is inconclusive. Since supporting evidence is limited at this time, the clinical significance of this alteration remains unclear.

NM_006514.4(SCN10A):c.2458A>G (p.Ile820Val)

Gene: SCN10A (sodium voltage-gated channel alpha subunit 10; minus strand). Cytogenetic location: 3p22.2.
Variant type: single nucleotide variant.
Coding change: c.2458A>G on transcript NM_006514.4 (MANE Select); coding-DNA position 2458, A replaced by G.
Protein change: p.Ile820Val; replaces isoleucine 820 with valine.
Molecular consequence: missense variant.
Genome position (GRCh38, 1-based): chr3:38,728,724, T>C on the plus strand (A>G on the coding strand, the complement: SCN10A is on the minus strand). VCF-style: chr3-38728724-T-C. GRCh37 (hg19) VCF-style: chr3-38770215-T-C.
Other names: c.2458A>G, p.Ile820Val (NM_001293306.2); c.2164A>G, p.Ile722Val (NM_001293307.2); short protein forms I820V, I722V.
Identifiers: ClinVar variation 846687 (VCV000846687.7), dbSNP rs770101312, ClinGen allele CA2320538.